The following is an entry in ClinVar:

ClinVar aggregate classification (germline): Uncertain significance (1 of 4 stars; one submission).

Conditions:
Cardiovascular phenotype. Identifiers: MedGen CN230736.

Submission:

Ambry Genetics
Classification: Uncertain significance for Cardiovascular phenotype. Last evaluated: 2023-09-30. Review status: criteria provided, single submitter. Criteria: Ambry Variant Classification Scheme 2023. Collection method: clinical testing. Allele origin: germline.
Comment: The p.L357Q variant (also known as c.1070T>A), located in coding exon 1 of the CHST14 gene, results from a T to A substitution at nucleotide position 1070. The leucine at codon 357 is replaced by glutamine, an amino acid with dissimilar properties. This amino acid position is conserved. In addition, the in silico prediction for this alteration is inconclusive. Since supporting evidence is limited at this time, the clinical significance of this alteration remains unclear.

NM_130468.4(CHST14):c.1070T>A (p.Leu357Gln)

Gene: CHST14 (carbohydrate sulfotransferase 14; plus strand). Cytogenetic location: 15q15.1.
Variant type: single nucleotide variant.
Coding change: c.1070T>A on transcript NM_130468.4 (MANE Select); coding-DNA position 1070, T replaced by A.
Protein change: p.Leu357Gln; replaces leucine 357 with glutamine.
Molecular consequence: missense variant.
Genome position (GRCh38, 1-based): chr15:40,472,283, T>A. VCF-style: chr15-40472283-T-A. GRCh37 (hg19) VCF-style: chr15-40764482-T-A.
Other names: short protein forms L357Q.
Identifiers: ClinVar variation 3229029 (VCV003229029.1), dbSNP rs780540417, ClinGen allele CA391768912.
Genomic context (GRCh38, chr15:40,472,283, plus strand): 5'-ATTACCACTTGTGCAGTGCCCCCCGGGCCCTGCTGCAGGATGTGCTGCCTAAGTATATCC[T>A]GGACTTCTCCCTCTTTGCCTACCCACTGCCTAATGTCACCAAGGAGGCGTGTCAGCAGTG-3'
Protein context (NP_569735.1, residues 347-367): LLQDVLPKYI[Leu357Gln]DFSLFAYPLP